The following is an entry in ClinVar:

ClinVar aggregate classification (germline): Uncertain significance. Review status: criteria provided, multiple submitters, no conflicts (2 of 4 stars). 2 submissions from 2 submitters: Uncertain significance (2). Last evaluated 2025-11-08.

Conditions:
Arrhythmogenic right ventricular dysplasia 10. Also called: Arrhythmogenic Right Ventricular Dysplasia/Cardiomyopathy10; ARRHYTHMOGENIC RIGHT VENTRICULAR DYSPLASIA, FAMILIAL, 10; Arrhythmogenic right ventricular dysplasia/cardiomyopathy, type 10. Identifiers: MedGen C1857777, MONDO:0012434, OMIM 610193.
Cardiovascular phenotype. Identifiers: MedGen CN230736.

Allele frequency attached by ClinVar (database versions not stated): ExAC 0.00001; gnomAD exomes 0.00001.
gnomAD v4.1: 9 of 1,614,202 alleles (0.00056%); highest among the groups gnomAD compares: South Asian, 0.0011%; no homozygotes.

Submissions (2):

Labcorp Genetics (formerly Invitae), Labcorp
Classification: Uncertain significance for Arrhythmogenic right ventricular dysplasia 10. Last evaluated: 2025-11-08. Review status: criteria provided, single submitter. Criteria: Invitae Variant Classification Sherloc (09022015). Collection method: clinical testing. Allele origin: germline.
Comment: This sequence change replaces leucine, which is neutral and non-polar, with valine, which is neutral and non-polar, at codon 64 of the DSG2 protein (p.Leu64Val). This variant is present in population databases (rs773418284, gnomAD 0.003%). This variant has not been reported in the literature in individuals affected with DSG2-related conditions. ClinVar contains an entry for this variant (Variation ID: 1782474). Invitae Evidence Modeling of protein sequence and biophysical properties (such as structural, functional, and spatial information, amino acid conservation, physicochemical variation, residue mobility, and thermodynamic stability) indicates that this missense variant is not expected to disrupt DSG2 protein function with a negative predictive value of 95%. In summary, the available evidence is currently insufficient to determine the role of this variant in disease. Therefore, it has been classified as a Variant of Uncertain Significance.

Ambry Genetics
Classification: Uncertain significance for Cardiovascular phenotype. Last evaluated: 2024-12-29. Review status: criteria provided, single submitter. Criteria: Ambry Variant Classification Scheme 2023. Collection method: clinical testing. Allele origin: germline.
Comment: The p.L64V variant (also known as c.190C>G), located in coding exon 3 of the DSG2 gene, results from a C to G substitution at nucleotide position 190. The leucine at codon 64 is replaced by valine, an amino acid with highly similar properties. This amino acid position is well conserved in available vertebrate species. In addition, this alteration is predicted to be tolerated by in silico analysis. Since supporting evidence is limited at this time, the clinical significance of this alteration remains unclear.

NM_001943.5(DSG2):c.190C>G (p.Leu64Val)

Gene: DSG2 (desmoglein 2; plus strand). Cytogenetic location: 18q12.1.
Variant type: single nucleotide variant.
Coding change: c.190C>G on transcript NM_001943.5 (MANE Select); coding-DNA position 190, C replaced by G.
Protein change: p.Leu64Val; replaces leucine 64 with valine.
Molecular consequence: missense variant.
Genome position (GRCh38, 1-based): chr18:31,519,911, C>G. VCF-style: chr18-31519911-C-G. GRCh37 (hg19) VCF-style: chr18-29099874-C-G.
Other names: short protein forms L64V.
Identifiers: ClinVar variation 1782474 (VCV001782474.4), dbSNP rs773418284, ClinGen allele CA044214.